The following is an entry in ClinVar:

ClinVar aggregate classification (germline): Uncertain significance (1 of 4 stars; one submission).

Conditions:
Inborn genetic diseases. Identifiers: MedGen C0950123, MeSH D030342.

Submission:

Ambry Genetics
Classification: Uncertain significance for Inborn genetic diseases. Last evaluated: 2025-09-16. Review status: criteria provided, single submitter. Criteria: Ambry Variant Classification Scheme 2023. Collection method: clinical testing. Allele origin: germline.
Comment: The p.L65H variant (also known as c.194T>A), located in coding exon 3 of the RECQL4 gene, results from a T to A substitution at nucleotide position 194. The leucine at codon 65 is replaced by histidine, an amino acid with similar properties. This amino acid position is conserved. In addition, the in silico prediction for this alteration is inconclusive. Based on the available evidence, the clinical significance of this variant remains unclear.

NM_004260.4(RECQL4):c.194T>A (p.Leu65His)

Gene: RECQL4 (RecQ like helicase 4; minus strand). Cytogenetic location: 8q24.3.
Variant type: single nucleotide variant.
Coding change: c.194T>A on transcript NM_004260.4 (MANE Select); coding-DNA position 194, T replaced by A.
Protein change: p.Leu65His; replaces leucine 65 with histidine.
Molecular consequence: missense variant. On other transcripts: 5 prime UTR variant (16), non-coding transcript variant (3), intron variant (2).
Genome position (GRCh38, 1-based): chr8:144,517,433, A>T on the plus strand (T>A on the coding strand, the complement: RECQL4 is on the minus strand). VCF-style: chr8-144517433-A-T. GRCh37 (hg19) VCF-style: chr8-145742817-A-T.
Other names: c.-837T>A (NM_001413032.1); c.194T>A, p.Leu65His (NM_001413033.1, NM_001413036.1, NM_001413039.1 and 5 more transcripts); c.-782T>A (NM_001413034.1); c.-775T>A (NM_001413035.1, NM_001413024.1); c.-878T>A (NM_001413037.1, NM_001413038.1, NM_001413042.1 and 2 more transcripts); c.-940T>A (NM_001413041.1, NM_001413027.1, NM_001413030.1 and 1 more transcripts); c.-1147T>A (NM_001413043.1); c.85-243T>A (NM_001413025.1); and 3 more; short protein forms L65H.
Identifiers: ClinVar variation 4628921 (VCV004628921.1).